The following is an entry in ClinVar:

NM_014258.4(SYCP2):c.940A>T (p.Thr314Ser)

Gene: SYCP2 (synaptonemal complex protein 2; minus strand). Cytogenetic location: 20q13.33.
Variant type: single nucleotide variant.
Coding change: c.940A>T on transcript NM_014258.4 (MANE Select); coding-DNA position 940, A replaced by T.
Protein change: p.Thr314Ser; replaces threonine 314 with serine.
Molecular consequence: missense variant.
Genome position (GRCh38, 1-based): chr20:59,911,782, T>A on the plus strand (A>T on the coding strand, the complement: SYCP2 is on the minus strand). VCF-style: chr20-59911782-T-A. GRCh37 (hg19) VCF-style: chr20-58486837-T-A.
Other names: short protein forms T314S.
Identifiers: ClinVar variation 4979101 (VCV004979101.1).

ClinVar aggregate classification (germline): Likely benign (1 of 4 stars; one submission).

Conditions:
SYCP2-related disorder. Also called: SYCP2-related condition.

gnomAD v4.1: 269 of 1,590,744 alleles (0.017%); highest among the groups gnomAD compares: South Asian, 0.29%; 1 homozygote.

Submission:

PreventionGenetics, part of Exact Sciences
Classification: Likely benign for SYCP2-related condition. Last evaluated: 2025-02-06. Review status: criteria provided, single submitter. Criteria: ACMG Guidelines, 2015. Collection method: clinical testing. Allele origin: germline.
Comment: This variant is classified as likely benign based on ACMG/AMP sequence variant interpretation guidelines (Richards et al. 2015 PMID: 25741868, with internal and published modifications).